The following is an entry in ClinVar:

ClinVar aggregate classification (germline): Likely benign. Review status: criteria provided, single submitter (1 of 4 stars). 2 submissions from 2 submitters: Likely benign (1). 1 of the submissions does not count toward it. Last evaluated 2024-03-05.

Conditions:
WNT10A-related disorder. Also called: WNT10A-related disorders; WNT10A-related condition.
Odonto-onycho-dermal dysplasia. Identifiers: Orphanet 2721, MedGen C0796093, MONDO:0009773, OMIM 257980.
Tooth agenesis, selective, 4 (STHAG4). Also called: SUCCEDANEOUS TEETH, AGENESIS OF; TOOTH AGENESIS, SELECTIVE, 4, WITH OR WITHOUT ECTODERMAL DYSPLASIA; LATERAL INCISORS, ABSENCE OF; LATERAL INCISORS, PEGGED OR MISSING. Identifiers: Orphanet 99798, MedGen C1835492, MONDO:0007881, OMIM 150400. Disease mechanism: loss of function.

Allele frequency attached by ClinVar (database versions not stated): TOPMed 0.00003; gnomAD exomes 0.00004 and 0.00009; gnomAD 0.00007 and 0.00008; ExAC 0.00008; 1000 Genomes Project 30x 0.00016; 1000 Genomes Project 0.00020.
gnomAD v4.1: 76 of 1,613,584 alleles (0.0047%); highest among the groups gnomAD compares: East Asian, 0.011%; no homozygotes.

Submissions (2):

Labcorp Genetics (formerly Invitae), Labcorp
Classification: Likely benign for Tooth agenesis, selective, 4; Odonto-onycho-dermal dysplasia. Last evaluated: 2024-03-05. Review status: criteria provided, single submitter. Criteria: Invitae Variant Classification Sherloc (09022015). Collection method: clinical testing. Allele origin: germline.

PreventionGenetics, part of Exact Sciences
Classification: Likely benign for WNT10A-related condition. Last evaluated: 2019-08-20. Review status: no assertion criteria provided. Collection method: clinical testing. Allele origin: germline. Not counted in ClinVar's aggregate classification.
Comment: This variant is classified as likely benign based on ACMG/AMP sequence variant interpretation guidelines (Richards et al. 2015 PMID: 25741868, with internal and published modifications).

NM_025216.3(WNT10A):c.636C>T (p.Gly212=)

Gene: WNT10A (Wnt family member 10A; plus strand). Cytogenetic location: 2q35.
Variant type: single nucleotide variant.
Coding change: c.636C>T on transcript NM_025216.3 (MANE Select); coding-DNA position 636, C replaced by T.
Protein change: p.Gly212=; no amino-acid change (glycine 212 retained).
Molecular consequence: synonymous variant.
Genome position (GRCh38, 1-based): chr2:218,890,243, C>T. VCF-style: chr2-218890243-C-T. GRCh37 (hg19) VCF-style: chr2-219754965-C-T.
Other names: c.636C>T (NM_025216.2).
Identifiers: ClinVar variation 1094361 (VCV001094361.11), dbSNP rs200233504, ClinGen allele CA2113984.
Genomic context (GRCh38, chr2:218,890,243, plus strand): 5'-CCCGGAACACCCAGCCCTGCCCACAGCCAGCCCAGGCCTGCAGGACTCCTGGGAGTGGGG[C>T]GGCTGCAGCCCCGACATGGGCTTCGGGGAGCGCTTTTCTAAGGACTTTCTGGACTCCCGG-3'
Protein context (NP_079492.2, residues 202-222): SPGLQDSWEW[Gly212=]GCSPDMGFGE